The following is an entry in ClinVar:

ClinVar aggregate classification (germline): Uncertain significance. Review status: criteria provided, multiple submitters, no conflicts (2 of 4 stars). 2 submissions from 2 submitters: Uncertain significance (2). Last evaluated 2025-03-28.

Conditions:
Cranium bifidum occultum. Also called: Enlarged Parietal Foramina; CATLIN MARKS; CRANIUM BIFIDUM, HEREDITARY. Identifiers: MedGen C1868598, HP:0004423.

gnomAD v4.1: 3 of 1,557,834 alleles (0.00019%); highest among the groups gnomAD compares: Non-Finnish European, 0.00026%; no homozygotes.

Submissions (2):

GeneDx
Classification: Uncertain significance. Last evaluated: 2025-03-28. Review status: criteria provided, single submitter. Criteria: GeneDx Variant Classification Process June 2021. Collection method: clinical testing. Allele origin: germline. Affected: yes.
Comment: Not observed at significant frequency in large population cohorts (gnomAD); In silico analysis supports that this missense variant has a deleterious effect on protein structure/function; Has not been previously published as pathogenic or benign to our knowledge

Labcorp Genetics (formerly Invitae), Labcorp
Classification: Uncertain significance for Cranium bifidum occultum. Last evaluated: 2024-11-18. Review status: criteria provided, single submitter. Criteria: Invitae Variant Classification Sherloc (09022015). Collection method: clinical testing. Allele origin: germline.
Comment: This sequence change replaces glycine, which is neutral and non-polar, with arginine, which is basic and polar, at codon 73 of the MSX2 protein (p.Gly73Arg). This variant is not present in population databases (gnomAD no frequency). This variant has not been reported in the literature in individuals affected with MSX2-related conditions. Invitae Evidence Modeling of protein sequence and biophysical properties (such as structural, functional, and spatial information, amino acid conservation, physicochemical variation, residue mobility, and thermodynamic stability) indicates that this missense variant is not expected to disrupt MSX2 protein function with a negative predictive value of 80%. In summary, the available evidence is currently insufficient to determine the role of this variant in disease. Therefore, it has been classified as a Variant of Uncertain Significance.

NM_002449.5(MSX2):c.217G>A (p.Gly73Arg)

Gene: MSX2 (msh homeobox 2; plus strand). Cytogenetic location: 5q35.2.
Variant type: single nucleotide variant.
Coding change: c.217G>A on transcript NM_002449.5 (MANE Select); coding-DNA position 217, G replaced by A.
Protein change: p.Gly73Arg; replaces glycine 73 with arginine.
Molecular consequence: missense variant.
Genome position (GRCh38, 1-based): chr5:174,724,876, G>A. VCF-style: chr5-174724876-G-A. GRCh37 (hg19) VCF-style: chr5-174151879-G-A.
Other names: c.217G>A (NM_002449.4); c.217G>A, p.Gly73Arg (NM_001363626.2); short protein forms G73R.
Identifiers: ClinVar variation 3674167 (VCV003674167.3).